The following is an entry in ClinVar:

NM_001376.5(DYNC1H1):c.10413+93G>A

Gene: DYNC1H1 (dynein cytoplasmic 1 heavy chain 1; plus strand). Cytogenetic location: 14q32.31.
Variant type: single nucleotide variant.
Coding change: c.10413+93G>A on transcript NM_001376.5 (MANE Select); 93 bases into the intron after coding-DNA position 10413, G replaced by A.
Molecular consequence: intron variant.
Genome position (GRCh38, 1-based): chr14:102,033,577, G>A. VCF-style: chr14-102033577-G-A. GRCh37 (hg19) VCF-style: chr14-102499914-G-A.
Identifiers: ClinVar variation 679353 (VCV000679353.2), dbSNP rs17512699, ClinGen allele CA14013765.

ClinVar aggregate classification (germline): Benign. Review status: criteria provided, multiple submitters, no conflicts (2 of 4 stars). 2 submissions from 2 submitters: Benign (2). Last evaluated 2018-06-14.

Allele frequency attached by ClinVar (database versions not stated): TOPMed 0.05498; gnomAD 0.05907 and 0.06103; 1000 Genomes Project 30x 0.06152; 1000 Genomes Project 0.06170.
gnomAD v4.1: 103,173 of 1,514,124 alleles (6.8%); highest among the groups gnomAD compares: South Asian, 12%; 3,852 homozygotes.

Submissions (2):

GeneDx
Classification: Benign. Last evaluated: 2018-06-14. Review status: criteria provided, single submitter. Criteria: GeneDx Variant Classification (06012015). Collection method: clinical testing. Allele origin: germline. Affected: yes.
Comment: This variant is considered likely benign or benign based on one or more of the following criteria: it is a conservative change, it occurs at a poorly conserved position in the protein, it is predicted to be benign by multiple in silico algorithms, and/or has population frequency not consistent with disease.

Breakthrough Genomics
Classification: Benign. Review status: criteria provided, single submitter. Criteria: ACMG Guidelines, 2015. Collection method: not provided. Allele origin: germline. Inheritance: Autosomal dominant inheritance. Affected: yes.